The following is an entry in ClinVar:

NM_182914.3(SYNE2):c.15233A>C (p.Gln5078Pro)

Gene: SYNE2 (spectrin repeat containing nuclear envelope protein 2; plus strand). Cytogenetic location: 14q23.2.
Variant type: single nucleotide variant.
Coding change: c.15233A>C on transcript NM_182914.3 (MANE Select); coding-DNA position 15233, A replaced by C.
Protein change: p.Gln5078Pro; replaces glutamine 5078 with proline.
Molecular consequence: missense variant.
Genome position (GRCh38, 1-based): chr14:64,142,015, A>C. VCF-style: chr14-64142015-A-C. GRCh37 (hg19) VCF-style: chr14-64608733-A-C.
Other names: c.15233A>C, p.Gln5078Pro (NM_015180.6); short protein forms Q5078P.
Identifiers: ClinVar variation 843710 (VCV000843710.13), dbSNP rs751092033, ClinGen allele CA261813147.
Genomic context (GRCh38, chr14:64,142,015, plus strand): 5'-AATTGCCGTCTCGTAAAGCAATCACAGAAATGATTAGCTGGATGAACAATGTGGAGCATC[A>C]AACTTCAGATGAAGACTCCGTGCATTCACCAAGTTCTGCATCTCAAGTTAAACATCTTCT-3'
Protein context (NP_878918.2, residues 5068-5088): MISWMNNVEH[Gln5078Pro]TSDEDSVHSP

ClinVar aggregate classification (germline): Uncertain significance. Review status: criteria provided, multiple submitters, no conflicts (2 of 4 stars). 2 submissions from 2 submitters: Uncertain significance (2). Last evaluated 2019-04-15.

Conditions:
Emery-Dreifuss muscular dystrophy 5, autosomal dominant (EDMD5). Also called: EMERY-DREIFUSS MUSCULAR DYSTROPHY 5. Identifiers: Orphanet 261, MedGen C2751805, MONDO:0013072, OMIM 612999.

gnomAD v4.1: 18 of 1,614,162 alleles (0.0011%); highest among the groups gnomAD compares: Non-Finnish European, 0.0015%; no homozygotes.

Submissions (2):

Labcorp Genetics (formerly Invitae), Labcorp
Classification: Uncertain significance for Emery-Dreifuss muscular dystrophy 5, autosomal dominant. Last evaluated: 2019-04-15. Review status: criteria provided, single submitter. Criteria: Invitae Variant Classification Sherloc (09022015). Collection method: clinical testing. Allele origin: germline.
Comment: This sequence change replaces glutamine with proline at codon 5078 of the SYNE2 protein (p.Gln5078Pro). The glutamine residue is moderately conserved and there is a moderate physicochemical difference between glutamine and proline. This variant is not present in population databases (ExAC no frequency). This variant has not been reported in the literature in individuals with SYNE2-related conditions. Algorithms developed to predict the effect of missense changes on protein structure and function are either unavailable or do not agree on the potential impact of this missense change (SIFT: "Deleterious"; PolyPhen-2: "Possibly Damaging"; Align-GVGD: "Class C0"). In summary, the available evidence is currently insufficient to determine the role of this variant in disease. Therefore, it has been classified as a Variant of Uncertain Significance.

Illumina Laboratory Services, Illumina
Classification: Uncertain significance for Emery-Dreifuss muscular dystrophy 5, autosomal dominant. Last evaluated: 2018-01-13. Review status: criteria provided, single submitter. Criteria: ICSL Variant Classification Criteria 13 December 2019. Collection method: clinical testing. Allele origin: germline.